The following is an entry in ClinVar:

NM_006348.5(COG5):c.1642G>A (p.Ala548Thr)

Genes: COG5 (component of oligomeric golgi complex 5; minus strand), LOC129389837 (MPRA-validated peak6677 silencer; plus strand). Cytogenetic location: 7q22.3.
Variant type: single nucleotide variant.
Coding change: c.1642G>A on transcript NM_006348.5 (MANE Select); coding-DNA position 1642, G replaced by A.
Protein change: p.Ala548Thr; replaces alanine 548 with threonine.
Molecular consequence: missense variant. On other transcripts: intron variant (1).
Genome position (GRCh38, 1-based): chr7:107,258,317, C>T on the plus strand (G>A on the coding strand, the complement: COG5 is on the minus strand). VCF-style: chr7-107258317-C-T. GRCh37 (hg19) VCF-style: chr7-106898762-C-T.
Other names: c.1642G>A, p.Ala548Thr (NM_001161520.2, NM_001379513.1, NM_001379514.1 and 1 more transcripts); c.1480G>A, p.Ala494Thr (NM_001379511.1); c.1072G>A, p.Ala358Thr (NM_001379515.1); c.928G>A, p.Ala310Thr (NM_001379516.1); c.1576-9818G>A (NM_001379512.1); short protein forms A494T, A548T, A310T, A358T.
Identifiers: ClinVar variation 1482934 (VCV001482934.6), dbSNP rs1219441965, ClinGen allele CA368941051.

ClinVar aggregate classification (germline): Uncertain significance (1 of 4 stars; one submission).

Conditions:
COG5-congenital disorder of glycosylation. Also called: COG5-CDG; CDG IIi; CONGENITAL DISORDER OF GLYCOSYLATION, TYPE IIi. Identifiers: Orphanet 263487, MedGen C3150876, MONDO:0013325, OMIM 613612.

Allele frequency attached by ClinVar (database versions not stated): gnomAD exomes below 0.00001.
gnomAD v4.1: 1 of 1,613,044 alleles (0.000062%); highest among the groups gnomAD compares: South Asian, 0.0011%; no homozygotes.

Submission:

Labcorp Genetics (formerly Invitae), Labcorp
Classification: Uncertain significance for COG5-congenital disorder of glycosylation. Last evaluated: 2022-06-13. Review status: criteria provided, single submitter. Criteria: Invitae Variant Classification Sherloc (09022015). Collection method: clinical testing. Allele origin: germline.
Comment: In summary, the available evidence is currently insufficient to determine the role of this variant in disease. Therefore, it has been classified as a Variant of Uncertain Significance. Algorithms developed to predict the effect of missense changes on protein structure and function (SIFT, PolyPhen-2, Align-GVGD) all suggest that this variant is likely to be tolerated. This variant has not been reported in the literature in individuals affected with COG5-related conditions. This variant is present in population databases (no rsID available, gnomAD 0.003%). This sequence change replaces alanine, which is neutral and non-polar, with threonine, which is neutral and polar, at codon 579 of the COG5 protein (p.Ala579Thr).